The following is an entry in ClinVar:

ClinVar aggregate classification (germline): Uncertain significance (1 of 4 stars; one submission).

Conditions:
Cystic fibrosis (CF). Also called: MUCOVISCIDOSIS. Identifiers: Orphanet 586, MedGen C0010674, MONDO:0009061, OMIM 219700. Disease mechanism: loss of function.

Submission:

Ambry Genetics
Classification: Uncertain significance for Cystic fibrosis. Last evaluated: 2023-01-27. Review status: criteria provided, single submitter. Criteria: Ambry Variant Classification Scheme 2023. Collection method: clinical testing. Allele origin: germline.
Comment: The p.F143V variant (also known as c.427T>G), located in coding exon 4 of the CFTR gene, results from a T to G substitution at nucleotide position 427. The phenylalanine at codon 143 is replaced by valine, an amino acid with highly similar properties. This amino acid position is conserved. In addition, this alteration is predicted to be deleterious by in silico analysis. Since supporting evidence is limited at this time, the clinical significance of this alteration remains unclear.

NM_000492.4(CFTR):c.427T>G (p.Phe143Val)

Gene: CFTR (CF transmembrane conductance regulator; plus strand). Cytogenetic location: 7q31.2.
Variant type: single nucleotide variant.
Coding change: c.427T>G on transcript NM_000492.4 (MANE Select); coding-DNA position 427, T replaced by G.
Protein change: p.Phe143Val; replaces phenylalanine 143 with valine.
Molecular consequence: missense variant.
Genome position (GRCh38, 1-based): chr7:117,531,052, T>G. VCF-style: chr7-117531052-T-G. GRCh37 (hg19) VCF-style: chr7-117171106-T-G.
Other names: short protein forms F143V.
Identifiers: ClinVar variation 2453650 (VCV002453650.2), dbSNP rs2485009596, ClinGen allele CA368974785.